The following is an entry in ClinVar:

NM_001267550.2(TTN):c.1815T>C (p.Thr605=)

Gene: TTN (titin; minus strand). Cytogenetic location: 2q31.2.
Variant type: single nucleotide variant.
Coding change: c.1815T>C on transcript NM_001267550.2 (MANE Select); coding-DNA position 1815, T replaced by C.
Protein change: p.Thr605=; no amino-acid change (threonine 605 retained).
Molecular consequence: synonymous variant.
Genome position (GRCh38, 1-based): chr2:178,790,101, A>G on the plus strand (T>C on the coding strand, the complement: TTN is on the minus strand). VCF-style: chr2-178790101-A-G. GRCh37 (hg19) VCF-style: chr2-179654828-A-G.
Other names: p.Thr605=; c.1815T>C, p.Thr605= (NM_001256850.1, NM_133378.4, NM_133379.5); c.1677T>C, p.Thr559= (NM_003319.4, NM_133432.3, NM_133437.4).
Identifiers: ClinVar variation 497195 (VCV000497195.24), dbSNP rs757604614, ClinGen allele CA2005953.

ClinVar aggregate classification (germline): Conflicting classifications of pathogenicity. Review status: criteria provided, conflicting classifications (1 of 4 stars). 8 submissions from 8 submitters: Uncertain significance (1); Likely benign (7). Last evaluated 2025-11-09.

Conditions:
Cardiovascular phenotype. Identifiers: MedGen CN230736.
Dilated cardiomyopathy 1G (CMD1G). Identifiers: Orphanet 154, MedGen C1858763, MONDO:0011400, OMIM 604145.
Autosomal recessive limb-girdle muscular dystrophy type 2J (LGMDR10). Also called: Limb-girdle muscular dystrophy, type 2J; MUSCULAR DYSTROPHY, LIMB-GIRDLE, AUTOSOMAL RECESSIVE 10. Identifiers: Orphanet 140922, MedGen C1837342, MONDO:0012127, OMIM 608807.

Allele frequency attached by ClinVar (database versions not stated): gnomAD exomes 0.00002 and 0.00004; ExAC 0.00004; gnomAD 0.00008 and 0.00010; TOPMed 0.00015.
gnomAD v4.1: 42 of 1,612,734 alleles (0.0026%); highest among the groups gnomAD compares: African/African-American, 0.044%; no homozygotes.

Submissions (8):

Labcorp Genetics (formerly Invitae), Labcorp
Classification: Likely benign for Dilated cardiomyopathy 1G; Autosomal recessive limb-girdle muscular dystrophy type 2J. Last evaluated: 2025-11-09. Review status: criteria provided, single submitter. Criteria: Invitae Variant Classification Sherloc (09022015). Collection method: clinical testing. Allele origin: germline.

Mayo Clinic Laboratories, Mayo Clinic
Classification: Likely benign. Last evaluated: 2025-09-30. Review status: criteria provided, single submitter. Criteria: ACMG Guidelines, 2015. Collection method: clinical testing. Allele origin: germline. Observed: 1 variant allele.
Comment: BP4, BP7

Blueprint Genetics
Classification: Likely benign. Last evaluated: 2023-11-06. Review status: criteria provided, single submitter. Criteria: ACMG Guidelines, 2015. Collection method: clinical testing. Allele origin: germline.

ARUP Laboratories, Molecular Genetics and Genomics, ARUP Laboratories
Classification: Likely benign. Last evaluated: 2023-10-10. Review status: criteria provided, single submitter. Criteria: ARUP Molecular Germline Variant Investigation Process 2024. Collection method: clinical testing. Allele origin: germline.

GeneDx
Classification: Likely benign. Last evaluated: 2020-12-18. Review status: criteria provided, single submitter. Criteria: GeneDx Variant Classification Process June 2021. Collection method: clinical testing. Allele origin: germline. Affected: yes.

Ambry Genetics
Classification: Likely benign for Cardiovascular phenotype. Last evaluated: 2020-01-17. Review status: criteria provided, single submitter. Criteria: Ambry Variant Classification Scheme 2023. Collection method: clinical testing. Allele origin: germline.

Athena Diagnostics
Classification: Likely benign. Last evaluated: 2018-10-30. Review status: criteria provided, single submitter. Criteria: Athena Diagnostics Criteria. Collection method: clinical testing. Allele origin: germline.

Eurofins Ntd Llc (ga)
Classification: Uncertain significance. Last evaluated: 2017-02-27. Review status: criteria provided, single submitter. Criteria: EGL Classification Definitions 2015. Collection method: clinical testing. Allele origin: germline. Observed: 2 variant alleles, 2 heterozygotes.